The following continues an entry in ClinVar:

NM_000059.4(BRCA2):c.7534C>T (p.Leu2512Phe)

Gene: BRCA2. ClinVar aggregate classification (germline): Benign. Benign (1).

Submissions 20 to 24 of 24:

Sharing Clinical Reports Project (SCRP)
Classification: Uncertain significance for Breast-ovarian cancer, familial 2. Last evaluated: 2006-10-17. Review status: no assertion criteria provided. Collection method: clinical testing. Allele origin: germline. Not counted in ClinVar's aggregate classification.

Breast Cancer Information Core (BIC) (BRCA2)
Classification: Uncertain significance for Breast-ovarian cancer, familial 2. Last evaluated: 2002-05-29. Review status: no assertion criteria provided. Collection method: clinical testing. Allele origin: germline. Affected: yes. Observed: 4 variant alleles. Not counted in ClinVar's aggregate classification.

Department of Pathology and Laboratory Medicine, Sinai Health System
Classification: Likely benign for Malignant tumor of breast. Review status: no assertion criteria provided. Collection method: clinical testing. Allele origin: unknown. Affected: yes. Study: The Canadian Open Genetics Repository (COGR). Not counted in ClinVar's aggregate classification.
Comment: The BRCA2 p.Leu2512Phe variant was identified in 3 of 100,182 proband chromosomes (frequency: 0.00003) from individuals or families with breast or ovarian cancer (Caux-Moncoutier 2011, Maistro 2016, Shimelis 2017) and in 1 of 97,576 control chromosomes (frequency: 0.00001) from healthy individuals (Shimelis 2017). The variant was also identified in dbSNP (ID: rs80358980) as "With other allele", ClinVar (classified as benign by Invitae; as likely benign by GeneDx and Counsyl; and as uncertain significance by Ambry Genetics and five other submitters), LOVD 3.0 (4x), UMD-LSDB (8x as unclassified variant), BIC Database (4x as unknown significance), and ARUP Laboratories (Likely not pathogenic or of little clinical significance) databases. The variant was identified in control databases in 6 of 246118 chromosomes at a frequency of 0.00002 (Genome Aggregation Database Feb 27, 2017). The variant was observed in the following populations: Other in 1 of 5484 chromosomes (freq: 0.0002), Latino in 3 of 33576 chromosomes (freq: 0.00009), European Non-Finnish in 1 of 111612 chromosomes (freq: 0.000009), and South Asian in 1 of 30770 chromosomes (freq: 0.00003), while it was not observed in the African, Ashkenazi Jewish, East Asian, or European Finnish populations. One clinical laboratory reports identifying this variant as homozygous variant in an individual with no personal or family history of Fanconi anemia. The p.Leu2512 residue is conserved in mammals and computational analyses (PolyPhen-2, SIFT, AlignGVGD, BLOSUM, MutationTaster) provide inconsistent predictions regarding the impact to the protein; this information is not very predictive of pathogenicity. The variant occurs outside of the splicing consensus sequence and in silico or computational prediction software programs (SpliceSiteFinder, MaxEntScan, NNSPLICE, GeneSplicer) do not predict a difference in splicing. In summary, based on the above information, the clinical significance of this variant cannot be determined with certainty at this time. This variant is classified as a variant of uncertain significance.

Genome Diagnostics Laboratory, University Medical Center Utrecht
Classification: Likely benign. Review status: no assertion criteria provided. Collection method: clinical testing. Allele origin: germline. Affected: yes. Study: VKGL Data-share Consensus. Not counted in ClinVar's aggregate classification.

Joint Genome Diagnostic Labs from Nijmegen and Maastricht, Radboudumc and MUMC+
Classification: Benign. Review status: no assertion criteria provided. Collection method: clinical testing. Allele origin: germline. Affected: yes. Study: VKGL Data-share Consensus. Not counted in ClinVar's aggregate classification.

Literature cited by the submitters: PubMed 31131967 (cited by Evidence-based Network for the Interpretation of Germline Mutant Alleles (ENIGMA) and Quest Diagnostics Nichols Institute San Juan Capistrano); PubMed 19043619 (cited by 4 submitters); PubMed 21120943 (cited by 3 submitters); PubMed 24489791 (cited by 4 submitters); PubMed 25964535 (cited by Women's Health and Genetics/Laboratory Corporation of America, LabCorp and Quest Diagnostics Nichols Institute San Juan Capistrano); PubMed 28283652 (cited by Women's Health and Genetics/Laboratory Corporation of America, LabCorp and Quest Diagnostics Nichols Institute San Juan Capistrano); PubMed 27914478 (cited by 3 submitters); PubMed 28288110 (cited by Women's Health and Genetics/Laboratory Corporation of America, LabCorp and Quest Diagnostics Nichols Institute San Juan Capistrano); PubMed 30254663 (cited by Women's Health and Genetics/Laboratory Corporation of America, LabCorp and Quest Diagnostics Nichols Institute San Juan Capistrano); PubMed 30199306 (cited by Women's Health and Genetics/Laboratory Corporation of America, LabCorp and Quest Diagnostics Nichols Institute San Juan Capistrano); PubMed 30588330 (cited by Women's Health and Genetics/Laboratory Corporation of America, LabCorp); PubMed 32994724 (cited by Women's Health and Genetics/Laboratory Corporation of America, LabCorp and Quest Diagnostics Nichols Institute San Juan Capistrano); PubMed 32522261 (cited by Women's Health and Genetics/Laboratory Corporation of America, LabCorp); PubMed 33067490 (cited by Quest Diagnostics Nichols Institute San Juan Capistrano); PubMed 12228710 (cited by Ambry Genetics); PubMed 27428751 (cited by Ambry Genetics).